The following is an entry in ClinVar:

ClinVar aggregate classification (germline): Uncertain significance (1 of 4 stars; one submission).

Conditions:
Xanthinuria type II. Also called: Xanthine dehydrogenase and aldehyde oxidase combined deficiency of; XDH and AOX dual deficiency. Identifiers: Orphanet 3467, Orphanet 93602, MedGen C1863688, MONDO:0011346, OMIM 603592.

gnomAD v4.1: 1 of 1,614,194 alleles (0.000062%); highest among the groups gnomAD compares: Non-Finnish European, 0.000085%; no homozygotes.

Submission:

Labcorp Genetics (formerly Invitae), Labcorp
Classification: Uncertain significance for Xanthinuria type II. Last evaluated: 2022-12-30. Review status: criteria provided, single submitter. Criteria: Invitae Variant Classification Sherloc (09022015). Collection method: clinical testing. Allele origin: germline.
Comment: In summary, the available evidence is currently insufficient to determine the role of this variant in disease. Therefore, it has been classified as a Variant of Uncertain Significance. Algorithms developed to predict the effect of missense changes on protein structure and function output the following: SIFT: "Tolerated"; PolyPhen-2: "Benign"; Align-GVGD: "Class C0". The aspartic acid amino acid residue is found in multiple mammalian species, which suggests that this missense change does not adversely affect protein function. This variant has not been reported in the literature in individuals affected with XDH-related conditions. This variant is not present in population databases (gnomAD no frequency). This sequence change replaces glutamic acid, which is acidic and polar, with aspartic acid, which is acidic and polar, at codon 530 of the XDH protein (p.Glu530Asp).

NM_000379.4(XDH):c.1590G>T (p.Glu530Asp)

Gene: XDH (xanthine dehydrogenase; minus strand). Cytogenetic location: 2p23.1.
Variant type: single nucleotide variant.
Coding change: c.1590G>T on transcript NM_000379.4 (MANE Select); coding-DNA position 1590, G replaced by T.
Protein change: p.Glu530Asp; replaces glutamic acid 530 with aspartic acid.
Molecular consequence: missense variant.
Genome position (GRCh38, 1-based): chr2:31,375,392, C>A on the plus strand (G>T on the coding strand, the complement: XDH is on the minus strand). VCF-style: chr2-31375392-C-A. GRCh37 (hg19) VCF-style: chr2-31598258-C-A.
Other names: short protein forms E530D.
Identifiers: ClinVar variation 3012830 (VCV003012830.3), dbSNP rs1572542441, ClinGen allele CA346507232.